The following is an entry in ClinVar:

NM_020964.3(EPG5):c.1613G>A (p.Arg538Gln)

Gene: EPG5 (ectopic P-granules 5 autophagy tethering factor; minus strand). Cytogenetic location: 18q21.1.
Variant type: single nucleotide variant.
Coding change: c.1613G>A on transcript NM_020964.3 (MANE Select); coding-DNA position 1613, G replaced by A.
Protein change: p.Arg538Gln; replaces arginine 538 with glutamine.
Molecular consequence: missense variant.
Genome position (GRCh38, 1-based): chr18:45,946,727, C>T on the plus strand (G>A on the coding strand, the complement: EPG5 is on the minus strand). VCF-style: chr18-45946727-C-T. GRCh37 (hg19) VCF-style: chr18-43526693-C-T.
Other names: short protein forms R538Q.
Identifiers: ClinVar variation 862568 (VCV000862568.8), dbSNP rs142601828, ClinGen allele CA8949654.

ClinVar aggregate classification (germline): Uncertain significance. Review status: criteria provided, multiple submitters, no conflicts (2 of 4 stars). 2 submissions from 2 submitters: Uncertain significance (2). Last evaluated 2022-08-23.

Conditions:
Vici syndrome (VICIS). Identifiers: Orphanet 1493, MedGen C1855772, MONDO:0009452, OMIM 242840.

Allele frequency attached by ClinVar (database versions not stated): gnomAD 0.00006 and 0.00009; TOPMed 0.00008; 1000 Genomes Project 30x 0.00016; ExAC 0.00016; gnomAD exomes 0.00018 and 0.00021; 1000 Genomes Project 0.00020.
gnomAD v4.1: 316 of 1,614,184 alleles (0.02%); highest among the groups gnomAD compares: East Asian, 0.12%; 1 homozygote.

Submissions (2):

Labcorp Genetics (formerly Invitae), Labcorp
Classification: Uncertain significance for Vici syndrome. Last evaluated: 2022-08-23. Review status: criteria provided, single submitter. Criteria: Invitae Variant Classification Sherloc (09022015). Collection method: clinical testing. Allele origin: germline.
Comment: This sequence change replaces arginine, which is basic and polar, with glutamine, which is neutral and polar, at codon 538 of the EPG5 protein (p.Arg538Gln). This variant is present in population databases (rs142601828, gnomAD 0.09%). This variant has not been reported in the literature in individuals affected with EPG5-related conditions. ClinVar contains an entry for this variant (Variation ID: 862568). Algorithms developed to predict the effect of missense changes on protein structure and function output the following: SIFT: "Tolerated"; PolyPhen-2: "Benign"; Align-GVGD: "Class C0". The glutamine amino acid residue is found in multiple mammalian species, which suggests that this missense change does not adversely affect protein function. In summary, the available evidence is currently insufficient to determine the role of this variant in disease. Therefore, it has been classified as a Variant of Uncertain Significance.

Knight Diagnostic Laboratories, Oregon Health and Sciences University
Classification: Uncertain significance for Vici syndrome. Last evaluated: 2019-04-19. Review status: criteria provided, single submitter. Criteria: ACMG Guidelines, 2015. Collection method: clinical testing. Allele origin: germline. Observed: 1 variant allele.